The following is an entry in ClinVar:

ClinVar aggregate classification (germline): Uncertain significance. Review status: criteria provided, multiple submitters, no conflicts (2 of 4 stars). 2 submissions from 2 submitters: Uncertain significance (2). Last evaluated 2025-08-01.

Submissions (2):

CeGaT Center for Human Genetics Tuebingen
Classification: Uncertain significance. Last evaluated: 2025-08-01. Review status: criteria provided, single submitter. Criteria: CeGaT Center For Human Genetics Tuebingen Variant Classification Criteria Version 2. Collection method: clinical testing. Allele origin: germline. Affected: yes. Observed: 1 variant allele.
Comment: EIF2AK1: PM2

Blueprint Genetics
Classification: Uncertain significance. Last evaluated: 2023-01-18. Review status: criteria provided, single submitter. Criteria: ACMG Guidelines, 2015. Collection method: clinical testing. Allele origin: germline.

NM_014413.4(EIF2AK1):c.121T>C (p.Ser41Pro)

Gene: EIF2AK1 (eukaryotic translation initiation factor 2 alpha kinase 1; minus strand). Cytogenetic location: 7p22.1.
Variant type: single nucleotide variant.
Coding change: c.121T>C on transcript NM_014413.4 (MANE Select); coding-DNA position 121, T replaced by C.
Protein change: p.Ser41Pro; replaces serine 41 with proline.
Molecular consequence: missense variant.
Genome position (GRCh38, 1-based): chr7:6,054,702, A>G on the plus strand (T>C on the coding strand, the complement: EIF2AK1 is on the minus strand). VCF-style: chr7-6054702-A-G. GRCh37 (hg19) VCF-style: chr7-6094333-A-G.
Other names: c.121T>C, p.Ser41Pro (NM_001134335.2); short protein forms S41P.
Identifiers: ClinVar variation 4085955 (VCV004085955.9).